The following is an entry in ClinVar:

ClinVar aggregate classification (germline): Pathogenic. Review status: criteria provided, multiple submitters, no conflicts (2 of 4 stars). 2 submissions from 2 submitters: Pathogenic (2). Last evaluated 2026-09-08.

Conditions:
Fabry disease. Also called: ANDERSON-FABRY DISEASE; CERAMIDE TRIHEXOSIDASE DEFICIENCY; GLA DEFICIENCY; HEREDITARY DYSTOPIC LIPIDOSIS; Fabry's disease; ALPHA-GALACTOSIDASE A DEFICIENCY. Identifiers: Orphanet 324, MedGen C0002986, MONDO:0010526, OMIM 301500, HP:0001071. Disease mechanism: Fabry disease is due to inactivating mutations in the X-linked GLA gene resulting in deficiency of the enzyme Alpha Galactosidase-A., loss of function.

Allele frequency attached by ClinVar (database versions not stated): TOPMed below 0.00001.

Submissions (3):

Genomenon, Inc
Classification: Pathogenic for Fabry disease. Last evaluated: 2026-09-08. Review status: criteria provided, single submitter. Criteria: Genomenon Sequence Variant Interpretation Standards - Updated. Collection method: curation. Allele origin: germline. Affected: yes.
Comment: GLA c.194+1G>T is a canonical splice variant affecting the donor splice site of intron 1. It is predicted to affect mRNA splicing, leading to a deleterious effect on the GLA protein. This variant has been observed in at least one proband with clinical features consistent with Fabry disease (PMID:39620496). It is absent or not present at a significant frequency in gnomAD. In conclusion, we classify GLA c.194+1G>T as a pathogenic variant.

Labcorp Genetics (formerly Invitae), Labcorp
Classification: Pathogenic for Fabry disease. Last evaluated: 2022-03-03. Review status: criteria provided, single submitter. Criteria: Invitae Variant Classification Sherloc (09022015). Collection method: clinical testing. Allele origin: germline.
Comment: Disruption of this splice site has been observed in individual(s) with clinical features of Fabry disease (PMID: 25974833; Invitae). For these reasons, this variant has been classified as Pathogenic. Algorithms developed to predict the effect of sequence changes on RNA splicing suggest that this variant may disrupt the consensus splice site. This variant is not present in population databases (gnomAD no frequency). This sequence change affects a donor splice site in intron 1 of the GLA gene. It is expected to disrupt RNA splicing. Variants that disrupt the donor or acceptor splice site typically lead to a loss of protein function (PMID: 16199547), and loss-of-function variants in GLA are known to be pathogenic (PMID: 10666480, 12175777).

Dr. Peter K. Rogan Lab, Western University
No classification provided (evidence only). Condition: Nonpapillary renal cell carcinoma. Review status: no classification provided. Collection method: in vitro. Allele origin: not applicable. Functional consequence: retained intron. Not counted in ClinVar's aggregate classification.

Literature cited by the submitters: PubMed 39620496 (cited by Genomenon, Inc); PubMed 25974833 (cited by Labcorp Genetics (formerly Invitae), Labcorp); PubMed 16199547 (cited by Labcorp Genetics (formerly Invitae), Labcorp); PubMed 10666480 (cited by Labcorp Genetics (formerly Invitae), Labcorp); PubMed 12175777 (cited by Labcorp Genetics (formerly Invitae), Labcorp).

NM_000169.3(GLA):c.194+1G>T

Genes: GLA (galactosidase alpha; minus strand), RPL36A-HNRNPH2 (RPL36A-HNRNPH2 readthrough; plus strand). Cytogenetic location: Xq22.1.
Variant type: single nucleotide variant.
Coding change: c.194+1G>T on transcript NM_000169.3 (MANE Select); the canonical splice donor site of the intron after coding-DNA position 194, G replaced by T.
Molecular consequence: splice donor variant. On other transcripts: intron variant (2).
Genome position (GRCh38, 1-based): chrX:101,407,709, C>A on the plus strand (G>T on the coding strand, the complement: GLA is on the minus strand). VCF-style: chrX-101407709-C-A. GRCh37 (hg19) VCF-style: chrX-100662697-C-A.
Other names: c.301-4227C>A (NM_001199973.2); c.178-4227C>A (NM_001199974.2); c.194+1G>T (NM_001406747.1, NM_001406748.1, NM_001406749.1).
Identifiers: ClinVar variation 2106614 (VCV002106614.7), dbSNP rs868966337, ClinGen allele CA413936542.
Genomic context (GRCh38, chrX:101,407,709, plus strand): 5'-TCCCCAAACACACCCAAACACATGGAAAAGCAAAGGGAAGGGAGTACCCAATATCTGATA[C>A]CTGATGCAGGAATCTGGCTCTTCCTGGCAGTCAAGGTTGCACATGAAGCGCTCCCAGTGC-3'